The following is an entry in ClinVar:

ClinVar aggregate classification (germline): Uncertain significance (1 of 4 stars; one submission).

Conditions:
Gamma-aminobutyric acid transaminase deficiency (GABATD). Also called: GABA transaminase deficiency; Gamma aminobutyrate transaminase deficiency; 4 alpha aminobutyrate transaminase deficiency; GABA aminotransaminase deficiency. Identifiers: Orphanet 2066, MedGen C0342708, MONDO:0013166, OMIM 613163.

Allele frequency attached by ClinVar (database versions not stated): gnomAD exomes 0.00003 and 0.00004; ExAC 0.00004; gnomAD 0.00005; TOPMed 0.00006; ESP Exome Variant Server 0.00008.
gnomAD v4.1: 66 of 1,614,062 alleles (0.0041%); highest among the groups gnomAD compares: Non-Finnish European, 0.0051%; no homozygotes.

Submission:

Labcorp Genetics (formerly Invitae), Labcorp
Classification: Uncertain significance for Gamma-aminobutyric acid transaminase deficiency. Last evaluated: 2024-01-15. Review status: criteria provided, single submitter. Criteria: Invitae Variant Classification Sherloc (09022015). Collection method: clinical testing. Allele origin: germline.
Comment: This sequence change falls in intron 10 of the ABAT gene. It does not directly change the encoded amino acid sequence of the ABAT protein. It affects a nucleotide within the consensus splice site. This variant is present in population databases (rs375716049, gnomAD 0.006%). This variant has not been reported in the literature in individuals affected with ABAT-related conditions. ClinVar contains an entry for this variant (Variation ID: 460327). Variants that disrupt the consensus splice site are a relatively common cause of aberrant splicing (PMID: 17576681, 9536098). Algorithms developed to predict the effect of sequence changes on RNA splicing suggest that this variant is not likely to affect RNA splicing. In summary, the available evidence is currently insufficient to determine the role of this variant in disease. Therefore, it has been classified as a Variant of Uncertain Significance.

Literature cited by the submitters: PubMed 17576681; PubMed 9536098.

NM_020686.6(ABAT):c.668-3C>T

Gene: ABAT (4-aminobutyrate aminotransferase; plus strand). Cytogenetic location: 16p13.2.
Variant type: single nucleotide variant.
Coding change: c.668-3C>T on transcript NM_020686.6 (MANE Select); 3 bases into the intron before coding-DNA position 668, C replaced by T.
Molecular consequence: intron variant.
Genome position (GRCh38, 1-based): chr16:8,768,822, C>T. VCF-style: chr16-8768822-C-T. GRCh37 (hg19) VCF-style: chr16-8862679-C-T.
Other names: c.668-3C>T (NM_001386602.1, NM_001386609.1, NM_001386605.1 and 7 more transcripts); c.764-3C>T (NM_001386615.1); c.605-3C>T (NM_001386607.1, NM_001386606.1); c.575-3C>T (NM_001386608.1); c.533-3C>T (NM_001386610.1, NM_001386611.1); c.422-3C>T (NM_001386614.1); c.470-3C>T (NM_001386612.1, NM_001386613.1).
Identifiers: ClinVar variation 460327 (VCV000460327.6), dbSNP rs375716049, ClinGen allele CA7893264.